The following is an entry in ClinVar:

NM_024529.5(CDC73):c.664C>G (p.Arg222Gly)

Gene: CDC73 (cell division cycle 73; plus strand). Cytogenetic location: 1q31.2.
Variant type: single nucleotide variant.
Coding change: c.664C>G on transcript NM_024529.5 (MANE Select); coding-DNA position 664, C replaced by G.
Protein change: p.Arg222Gly; replaces arginine 222 with glycine.
Molecular consequence: missense variant.
Genome position (GRCh38, 1-based): chr1:193,142,001, C>G. VCF-style: chr1-193142001-C-G. GRCh37 (hg19) VCF-style: chr1-193111131-C-G.
Other names: short protein forms R222G.
Identifiers: ClinVar variation 3227881 (VCV003227881.1), dbSNP rs770439843, ClinGen allele CA1303427.

ClinVar aggregate classification (germline): Uncertain significance (1 of 4 stars; one submission).

Conditions:
Hereditary cancer-predisposing syndrome. Also called: Neoplastic Syndromes, Hereditary; Tumor predisposition; Hereditary neoplastic syndrome; Hereditary Cancer Syndrome. Identifiers: Orphanet 140162, MedGen C0027672, MeSH D009386, MONDO:0015356.

Allele frequency attached by ClinVar (database versions not stated): ExAC 0.00001.
gnomAD v4.1: 1 of 1,613,608 alleles (0.000062%); highest among the groups gnomAD compares: Non-Finnish European, 0.000085%; no homozygotes.

Submission:

Ambry Genetics
Classification: Uncertain significance for Hereditary cancer-predisposing syndrome. Last evaluated: 2024-01-01. Review status: criteria provided, single submitter. Criteria: Ambry Variant Classification Scheme 2023. Collection method: clinical testing. Allele origin: germline.
Comment: The p.R222G variant (also known as c.664C>G), located in coding exon 7 of the CDC73 gene, results from a C to G substitution at nucleotide position 664. The arginine at codon 222 is replaced by glycine, an amino acid with dissimilar properties. This amino acid position is conserved. In addition, this alteration is predicted to be deleterious by in silico analysis. Since supporting evidence is limited at this time, the clinical significance of this alteration remains unclear.